The following is an entry in ClinVar:

ClinVar aggregate classification (germline): Uncertain significance (1 of 4 stars; one submission).

Conditions:
PEX3-related disorder. Also called: PEX3-related condition.

Submission:

PreventionGenetics, part of Exact Sciences
Classification: Uncertain significance for PEX3-related condition. Last evaluated: 2026-03-03. Review status: criteria provided, single submitter. Criteria: ACMG Guidelines, 2015. Collection method: clinical testing. Allele origin: germline.
Comment: The PEX3 c.885G>A variant is predicted to result in the amino acid substitution p.Met295Ile. To our knowledge, this variant has not been reported in the literature or in a large population database (gnomAD), indicating this variant is rare. At this time, the clinical significance of this variant is uncertain due to the absence of conclusive functional and genetic evidence.

NM_003630.3(PEX3):c.885G>A (p.Met295Ile)

Gene: PEX3 (peroxisomal biogenesis factor 3; plus strand). Cytogenetic location: 6q24.2.
Variant type: single nucleotide variant.
Coding change: c.885G>A on transcript NM_003630.3 (MANE Select); coding-DNA position 885, G replaced by A.
Protein change: p.Met295Ile; replaces methionine 295 with isoleucine.
Molecular consequence: missense variant.
Genome position (GRCh38, 1-based): chr6:143,479,142, G>A. VCF-style: chr6-143479142-G-A. GRCh37 (hg19) VCF-style: chr6-143800279-G-A.
Other names: short protein forms M295I.
Identifiers: ClinVar variation 4977302 (VCV004977302.1).
Genomic context (GRCh38, chr6:143,479,142, plus strand): 5'-TTTTAGTACAGTTTTGAATACCTGTTTAAACCGAGGTTTTAGTAGACTTCTAGACAATAT[G>A]GCTGAGTTCTTTCGACCTACTGAACAGGACCTGCAACATGGTAACTCTATGAATAGGTAA-3'
Protein context (NP_003621.1, residues 285-305): NRGFSRLLDN[Met295Ile]AEFFRPTEQD